The following is an entry in ClinVar:

ClinVar aggregate classification (germline): Pathogenic/Likely pathogenic. Review status: criteria provided, multiple submitters, no conflicts (2 of 4 stars). 3 submissions from 3 submitters: Pathogenic (1); Likely pathogenic (2). Last evaluated 2024-03-01.

Conditions:
Familial cancer of breast. Also called: Hereditary breast cancer; hereditary breast carcinoma; BREAST CANCER, FAMILIAL. Identifiers: Orphanet 227535, MedGen C0346153, MONDO:0016419, OMIM 114480. Disease mechanism: loss of function.
Ataxia-telangiectasia syndrome (AT). Also called: AT, COMPLEMENTATION GROUP C; Cerebello-oculocutaneous telangiectasia; Immunodeficiency with ataxia telangiectasia; ATAXIA-TELANGIECTASIA, COMPLEMENTATION GROUP A; ATAXIA-TELANGIECTASIA, FRESNO VARIANT; Ataxia telangiectasia (A-T). Identifiers: Orphanet 100, MedGen C0004135, MONDO:0008840, OMIM 208900.

Submissions (3):

Fulgent Genetics
Classification: Likely pathogenic for Familial cancer of breast; Ataxia-telangiectasia syndrome. Last evaluated: 2024-03-01. Review status: criteria provided, single submitter. Criteria: ACMG Guidelines, 2015. Collection method: clinical testing. Allele origin: germline.

Labcorp Genetics (formerly Invitae), Labcorp
Classification: Pathogenic for Ataxia-telangiectasia syndrome. Last evaluated: 2020-02-19. Review status: criteria provided, single submitter. Criteria: Invitae Variant Classification Sherloc (09022015). Collection method: clinical testing. Allele origin: germline.
Comment: This sequence change creates a premature translational stop signal (p.Arg568*) in the ATM gene. It is expected to result in an absent or disrupted protein product. This variant is not present in population databases (ExAC no frequency). This variant has not been reported in the literature in individuals with ATM-related conditions. Loss-of-function variants in ATM are known to be pathogenic (PMID: 23807571, 25614872). For these reasons, this variant has been classified as Pathogenic.

Juno Genomics, Hangzhou Juno Genomics, Inc
Classification: Likely pathogenic for Familial cancer of breast; Ataxia-telangiectasia syndrome. Review status: criteria provided, single submitter. Criteria: ACMG Guidelines, 2015. Collection method: clinical testing. Allele origin: germline.
Comment: Absent from controls (or at extremely low frequency if recessive) in Genome Aggregation Database.;Null variant in a gene where loss of function (LOF) is a known mechanism of disease.

Literature cited by the submitters: PubMed 23807571 (cited by Labcorp Genetics (formerly Invitae), Labcorp); PubMed 25614872 (cited by Labcorp Genetics (formerly Invitae), Labcorp).

NM_000051.4(ATM):c.1702A>T (p.Arg568Ter)

Gene: ATM (ATM serine/threonine kinase; plus strand). Cytogenetic location: 11q22.3.
Variant type: single nucleotide variant.
Coding change: c.1702A>T on transcript NM_000051.4 (MANE Select); coding-DNA position 1702, A replaced by T.
Protein change: p.Arg568Ter; replaces arginine 568 with a stop codon.
Molecular consequence: nonsense.
Genome position (GRCh38, 1-based): chr11:108,251,931, A>T. VCF-style: chr11-108251931-A-T. GRCh37 (hg19) VCF-style: chr11-108122658-A-T.
Other names: c.1702A>T, p.Arg568Ter (NM_001351834.2); c.1702A>T (NM_000051.3); short protein forms R568*.
Identifiers: ClinVar variation 1071619 (VCV001071619.10), dbSNP rs876659425, ClinGen allele CA382535241.